The following is an entry in ClinVar:

ClinVar aggregate classification (germline): Uncertain significance (1 of 4 stars; one submission).

Submission:

Labcorp Genetics (formerly Invitae), Labcorp
Classification: Uncertain significance. Last evaluated: 2024-10-29. Review status: criteria provided, single submitter. Criteria: Invitae Variant Classification Sherloc (09022015). Collection method: clinical testing. Allele origin: germline.
Comment: This sequence change creates a premature translational stop signal (p.Lys829*) in the BACH2 gene. While this is not anticipated to result in nonsense mediated decay, it is expected to disrupt the last 13 amino acid(s) of the BACH2 protein. This variant is not present in population databases (gnomAD no frequency). This variant has not been reported in the literature in individuals affected with BACH2-related conditions. In summary, the available evidence is currently insufficient to determine the role of this variant in disease. Therefore, it has been classified as a Variant of Uncertain Significance.

NM_021813.4(BACH2):c.2485A>T (p.Lys829Ter)

Gene: BACH2 (BACH transcriptional regulator 2; minus strand). Cytogenetic location: 6q15.
Variant type: single nucleotide variant.
Coding change: c.2485A>T on transcript NM_021813.4 (MANE Select); coding-DNA position 2485, A replaced by T.
Protein change: p.Lys829Ter; replaces lysine 829 with a stop codon.
Molecular consequence: nonsense.
Genome position (GRCh38, 1-based): chr6:89,932,449, T>A on the plus strand (A>T on the coding strand, the complement: BACH2 is on the minus strand). VCF-style: chr6-89932449-T-A. GRCh37 (hg19) VCF-style: chr6-90642168-T-A.
Other names: c.2485A>T, p.Lys829Ter (NM_001170794.2); short protein forms K829*.
Identifiers: ClinVar variation 3676032 (VCV003676032.2).